The following is an entry in ClinVar:

ClinVar aggregate classification (germline): Benign/Likely benign. Review status: criteria provided, multiple submitters, no conflicts (2 of 4 stars). 3 submissions from 3 submitters: Benign (1); Likely benign (1). 1 of the submissions does not count toward it. Last evaluated 2026-08-01.

Conditions:
CIC-related disorder. Also called: CIC-related condition.

Allele frequency attached by ClinVar (database versions not stated): TOPMed 0.00060; gnomAD 0.00102; gnomAD exomes 0.00130.
gnomAD v4.1: 467 of 398,648 alleles (0.12%); highest among the groups gnomAD compares: Non-Finnish European, 0.14%; 1 homozygote.

Submissions (3):

CeGaT Center for Human Genetics Tuebingen
Classification: Likely benign. Last evaluated: 2026-08-01. Review status: criteria provided, single submitter. Criteria: CeGaT Center For Human Genetics Tuebingen Variant Classification Criteria Version 2. Collection method: clinical testing. Allele origin: germline. Affected: yes. Observed: 17 variant alleles.
Comment: CIC: BS1

Laboratory of Genetics, Children's Clinical University Hospital Latvia
Classification: Benign. Last evaluated: 2025-02-16. Review status: criteria provided, single submitter. Criteria: ACMG Guidelines, 2015. Collection method: clinical testing. Allele origin: germline. Affected: yes.

PreventionGenetics, part of Exact Sciences
Classification: Benign for CIC-related condition. Last evaluated: 2021-01-05. Review status: no assertion criteria provided. Collection method: clinical testing. Allele origin: germline. Not counted in ClinVar's aggregate classification.
Comment: This variant is classified as benign based on ACMG/AMP sequence variant interpretation guidelines (Richards et al. 2015 PMID: 25741868, with internal and published modifications).

NM_001386298.1(CIC):c.65C>T (p.Pro22Leu)

Gene: CIC (capicua transcriptional repressor; plus strand). Cytogenetic location: 19q13.2.
Variant type: single nucleotide variant.
Coding change: c.65C>T on transcript NM_001386298.1 (MANE Select); coding-DNA position 65, C replaced by T.
Protein change: p.Pro22Leu; replaces proline 22 with leucine.
Molecular consequence: missense variant.
Genome position (GRCh38, 1-based): chr19:42,271,848, C>T. VCF-style: chr19-42271848-C-T. GRCh37 (hg19) VCF-style: chr19-42776000-C-T.
Other names: c.65C>T, p.Pro22Leu (NM_001304815.2, NM_001379480.1, NM_001379482.1 and 1 more transcripts); short protein forms P22L.
Identifiers: ClinVar variation 2571046 (VCV002571046.29), dbSNP rs778531867, ClinGen allele CA308614243.